The following is an entry in ClinVar:

NM_003737.4(DCHS1):c.4571G>A (p.Arg1524His)

Gene: DCHS1 (dachsous cadherin-related 1; minus strand). Cytogenetic location: 11p15.4.
Variant type: single nucleotide variant.
Coding change: c.4571G>A on transcript NM_003737.4 (MANE Select); coding-DNA position 4571, G replaced by A.
Protein change: p.Arg1524His; replaces arginine 1524 with histidine.
Molecular consequence: missense variant.
Genome position (GRCh38, 1-based): chr11:6,630,223, C>T on the plus strand (G>A on the coding strand, the complement: DCHS1 is on the minus strand). VCF-style: chr11-6630223-C-T. GRCh37 (hg19) VCF-style: chr11-6651454-C-T.
Other names: short protein forms R1524H.
Identifiers: ClinVar variation 3617373 (VCV003617373.2).
Genomic context (GRCh38, chr11:6,630,223, plus strand): 5'-GGCGCGTTGTCATTCTCATCCGTGACGAAGACGCGCGCTGAAACGCGCGCTGCACGACGG[C>T]GGCTGGCGTTGGCGGGCCGGTCGGTGGCTTCCACCAGCAGCAGCAGCGCGGGAGTGGTCT-3'
Protein context (NP_003728.1, residues 1514-1534): EATDRPANAS[Arg1524His]RRAARVSARV

ClinVar aggregate classification (germline): Uncertain significance (1 of 4 stars; one submission).

gnomAD v4.1: 28 of 1,561,100 alleles (0.0018%); highest among the groups gnomAD compares: Non-Finnish European, 0.0023%; 1 homozygote.

Submission:

Labcorp Genetics (formerly Invitae), Labcorp
Classification: Uncertain significance. Last evaluated: 2024-05-10. Review status: criteria provided, single submitter. Criteria: Invitae Variant Classification Sherloc (09022015). Collection method: clinical testing. Allele origin: germline.
Comment: This sequence change replaces arginine, which is basic and polar, with histidine, which is basic and polar, at codon 1524 of the DCHS1 protein (p.Arg1524His). This variant is present in population databases (no rsID available, gnomAD 0.01%). This variant has not been reported in the literature in individuals affected with DCHS1-related conditions. Advanced modeling of protein sequence and biophysical properties (such as structural, functional, and spatial information, amino acid conservation, physicochemical variation, residue mobility, and thermodynamic stability) has been performed at Invitae for this missense variant, however the output from this modeling did not meet the statistical confidence thresholds required to predict the impact of this variant on DCHS1 protein function. In summary, the available evidence is currently insufficient to determine the role of this variant in disease. Therefore, it has been classified as a Variant of Uncertain Significance.